The following is an entry in ClinVar:

ClinVar aggregate classification (germline): Uncertain significance (1 of 4 stars; one submission).

Conditions:
NRP2-related disorder. Also called: NRP2-related condition.

gnomAD v4.1: 3 of 1,614,216 alleles (0.00019%); highest among the groups gnomAD compares: Non-Finnish European, 0.00025%; no homozygotes.

Submission:

PreventionGenetics, part of Exact Sciences
Classification: Uncertain significance for NRP2-related condition. Last evaluated: 2024-12-18. Review status: criteria provided, single submitter. Criteria: ACMG Guidelines, 2015. Collection method: clinical testing. Allele origin: germline.
Comment: The NRP2 c.599C>T variant is predicted to result in the amino acid substitution p.Pro200Leu. To our knowledge, this variant has not been reported in the literature or in a large population database (gnomAD), indicating this variant is rare. At this time, the clinical significance of this variant is uncertain due to the absence of conclusive functional and genetic evidence.

NM_003872.3(NRP2):c.599C>T (p.Pro200Leu)

Gene: NRP2 (neuropilin 2; plus strand). Cytogenetic location: 2q33.3.
Variant type: single nucleotide variant.
Coding change: c.599C>T on transcript NM_003872.3 (MANE Select); coding-DNA position 599, C replaced by T.
Protein change: p.Pro200Leu; replaces proline 200 with leucine.
Molecular consequence: missense variant.
Genome position (GRCh38, 1-based): chr2:205,722,643, C>T. VCF-style: chr2-205722643-C-T. GRCh37 (hg19) VCF-style: chr2-206587367-C-T.
Other names: c.599C>T, p.Pro200Leu (NM_018534.4, NM_201264.2, NM_201266.2 and 2 more transcripts); short protein forms P200L.
Identifiers: ClinVar variation 5000865 (VCV005000865.1).